The following is an entry in ClinVar:

NM_005902.4(SMAD3):c.839A>G (p.Asn280Ser)

Gene: SMAD3 (SMAD family member 3; plus strand). Cytogenetic location: 15q22.33.
Variant type: single nucleotide variant.
Coding change: c.839A>G on transcript NM_005902.4 (MANE Select); coding-DNA position 839, A replaced by G.
Protein change: p.Asn280Ser; replaces asparagine 280 with serine.
Molecular consequence: missense variant.
Genome position (GRCh38, 1-based): chr15:67,181,421, A>G. VCF-style: chr15-67181421-A-G. GRCh37 (hg19) VCF-style: chr15-67473759-A-G.
Other names: c.254A>G, p.Asn85Ser (NM_001145104.2); c.524A>G, p.Asn175Ser (NM_001145102.2); c.707A>G, p.Asn236Ser (NM_001145103.2); short protein forms N280S, N175S, N85S, N236S.
Identifiers: ClinVar variation 922753 (VCV000922753.14), dbSNP rs1433790279, ClinGen allele CA392956370.

ClinVar aggregate classification (germline): Uncertain significance. Review status: criteria provided, multiple submitters, no conflicts (2 of 4 stars). 4 submissions from 4 submitters: Uncertain significance (4). Last evaluated 2025-09-15.

Conditions:
Aneurysm-osteoarthritis syndrome. Also called: Loeys-Dietz syndrome, type 1C; ANEURYSMS-OSTEOARTHRITIS SYNDROME; SMAD3-Related Loeys-Dietz Syndrome; LOEYS-DIETZ SYNDROME WITH OSTEOARTHRITIS. Identifiers: Orphanet 284984, MedGen C3151087, MONDO:0013426, OMIM 613795.
Familial thoracic aortic aneurysm and aortic dissection (TAAD). Also called: Thoracic aortic aneurysms and dissections. Identifiers: Orphanet 91387, MedGen C4707243, MONDO:0019625.

Allele frequency attached by ClinVar (database versions not stated): gnomAD exomes below 0.00001 and 0.00001; TOPMed below 0.00001.
gnomAD v4.1: 3 of 1,613,944 alleles (0.00019%); highest among the groups gnomAD compares: Non-Finnish European, 0.00025%; no homozygotes.

Submissions (4):

Color Diagnostics, LLC DBA Color Health
Classification: Uncertain significance for Familial thoracic aortic aneurysm and aortic dissection. Last evaluated: 2025-09-15. Review status: criteria provided, single submitter. Criteria: ACMG Guidelines, 2015. Collection method: clinical testing. Allele origin: germline.
Comment: This missense variant replaces asparagine with serine at codon 280 of the SMAD3 protein. Computational prediction is inconclusive regarding the impact of this variant on protein structure and function. To our knowledge, functional studies have not been reported for this variant. This variant has not been reported in individuals affected with SMAD3-related disorders in the literature. This variant has been identified in 1/250800 chromosomes in the general population by the Genome Aggregation Database (gnomAD). The available evidence is insufficient to determine the role of this variant in disease conclusively. Therefore, this variant is classified as a Variant of Uncertain Significance.

GeneDx
Classification: Uncertain significance. Last evaluated: 2025-04-23. Review status: criteria provided, single submitter. Criteria: GeneDx Variant Classification Process June 2021. Collection method: clinical testing. Allele origin: germline. Affected: yes.
Comment: Not observed at significant frequency in large population cohorts (gnomAD); In silico analysis supports that this missense variant has a deleterious effect on protein structure/function; Has not been previously published as pathogenic or benign to our knowledge

Labcorp Genetics (formerly Invitae), Labcorp
Classification: Uncertain significance for Familial thoracic aortic aneurysm and aortic dissection. Last evaluated: 2024-11-11. Review status: criteria provided, single submitter. Criteria: Invitae Variant Classification Sherloc (09022015). Collection method: clinical testing. Allele origin: germline.
Comment: This sequence change replaces asparagine, which is neutral and polar, with serine, which is neutral and polar, at codon 280 of the SMAD3 protein (p.Asn280Ser). This variant is present in population databases (no rsID available, gnomAD 0.0009%). This variant has not been reported in the literature in individuals affected with SMAD3-related conditions. ClinVar contains an entry for this variant (Variation ID: 922753). Invitae Evidence Modeling of protein sequence and biophysical properties (such as structural, functional, and spatial information, amino acid conservation, physicochemical variation, residue mobility, and thermodynamic stability) indicates that this missense variant is not expected to disrupt SMAD3 protein function with a negative predictive value of 80%. In summary, the available evidence is currently insufficient to determine the role of this variant in disease. Therefore, it has been classified as a Variant of Uncertain Significance.

All of Us Research Program, National Institutes of Health
Classification: Uncertain significance for Aneurysm-osteoarthritis syndrome. Last evaluated: 2024-09-23. Review status: criteria provided, single submitter. Criteria: ACMG Guidelines, 2015. Collection method: clinical testing. Allele origin: germline. Inheritance: Autosomal dominant inheritance. Observed: 3 variant alleles, 3 heterozygotes.
Comment: This missense variant replaces asparagine with serine at codon 280 of the SMAD3 protein. Computational prediction tools and conservation analyses are inconclusive regarding the impact of this variant on the protein function. Computational splicing tools suggest that this variant may not impact RNA splicing. To our knowledge, functional assays have not been performed for this variant nor has this variant been reported in individuals affected with cardiovascular disorders in the literature. This variant has been identified in 1/250800 chromosomes in the general population by the Genome Aggregation Database (gnomAD). Available evidence is insufficient to determine the role of this variant in disease conclusively. Therefore, this variant is classified as a Variant of Uncertain Significance.

This study involves interpretation of variants in research participants for the purpose of population health screening. Participant phenotype was not available at the time of variant classification. Additional details can be found in publication PMID: 35346344, PMCID: PMC8962531